The following is an entry in ClinVar:

NM_000751.3(CHRND):c.191T>A (p.Ile64Asn)

Gene: CHRND (cholinergic receptor nicotinic delta subunit; plus strand). Cytogenetic location: 2q37.1.
Variant type: single nucleotide variant.
Coding change: c.191T>A on transcript NM_000751.3 (MANE Select); coding-DNA position 191, T replaced by A.
Protein change: p.Ile64Asn; replaces isoleucine 64 with asparagine.
Molecular consequence: missense variant. On other transcripts: 5 prime UTR variant (2).
Genome position (GRCh38, 1-based): chr2:232,526,667, T>A. VCF-style: chr2-232526667-T-A. GRCh37 (hg19) VCF-style: chr2-233391377-T-A.
Other names: c.191T>A, p.Ile64Asn (NM_001256657.2); c.-81T>A (NM_001311195.2, NM_001311196.2); short protein forms I64N.
Identifiers: ClinVar variation 3669233 (VCV003669233.2).

ClinVar aggregate classification (germline): Uncertain significance (1 of 4 stars; one submission).

Conditions:
Lethal multiple pterygium syndrome (LMPS). Identifiers: Orphanet 33108, MedGen C1854678, MONDO:0009668, OMIM 253290.

Submission:

Labcorp Genetics (formerly Invitae), Labcorp
Classification: Uncertain significance for Lethal multiple pterygium syndrome. Last evaluated: 2024-11-23. Review status: criteria provided, single submitter. Criteria: Invitae Variant Classification Sherloc (09022015). Collection method: clinical testing. Allele origin: germline.
Comment: This sequence change replaces isoleucine, which is neutral and non-polar, with asparagine, which is neutral and polar, at codon 64 of the CHRND protein (p.Ile64Asn). This variant is not present in population databases (gnomAD no frequency). This variant has not been reported in the literature in individuals affected with CHRND-related conditions. Invitae Evidence Modeling of protein sequence and biophysical properties (such as structural, functional, and spatial information, amino acid conservation, physicochemical variation, residue mobility, and thermodynamic stability) has been performed for this missense variant. However, the output from this modeling did not meet the statistical confidence thresholds required to predict the impact of this variant on CHRND protein function. In summary, the available evidence is currently insufficient to determine the role of this variant in disease. Therefore, it has been classified as a Variant of Uncertain Significance.